The following is an entry in ClinVar:

NM_198576.4(AGRN):c.5735C>T (p.Ala1912Val)

Gene: AGRN (agrin; plus strand). Cytogenetic location: 1p36.33.
Variant type: single nucleotide variant.
Coding change: c.5735C>T on transcript NM_198576.4 (MANE Select); coding-DNA position 5735, C replaced by T.
Protein change: p.Ala1912Val; replaces alanine 1912 with valine.
Molecular consequence: missense variant.
Genome position (GRCh38, 1-based): chr1:1,053,836, C>T. VCF-style: chr1-1053836-C-T. GRCh37 (hg19) VCF-style: chr1-989216-C-T.
Other names: c.5804C>T, p.Ala1935Val (NM_001305275.2); c.5432C>T, p.Ala1811Val (NM_001364727.2); short protein forms A1912V, A1811V, A1935V.
Identifiers: ClinVar variation 474157 (VCV000474157.32), dbSNP rs141178720, ClinGen allele CA510211.

ClinVar aggregate classification (germline): Conflicting classifications of pathogenicity. Review status: criteria provided, conflicting classifications (1 of 4 stars). 3 submissions from 3 submitters: Uncertain significance (1); Likely benign (2). Last evaluated 2026-01-24.

Conditions:
Congenital myasthenic syndrome 8. Also called: Myasthenic syndrome, congenital, 8, with pre- and postsynaptic defects; MYASTHENIC SYNDROME, CONGENITAL, DUE TO AGRIN DEFICIENCY. Identifiers: Orphanet 590, MedGen C3808739, MONDO:0014052, OMIM 615120.
Inborn genetic diseases. Identifiers: MedGen C0950123, MeSH D030342.

Allele frequency attached by ClinVar (database versions not stated): ESP Exome Variant Server 0.00031; gnomAD 0.00038; 1000 Genomes Project 0.00040; 1000 Genomes Project 30x 0.00047; TOPMed 0.00054.
gnomAD v4.1: 351 of 1,610,704 alleles (0.022%); highest among the groups gnomAD compares: Admixed American, 0.069%; 1 homozygote.

Submissions (3):

Labcorp Genetics (formerly Invitae), Labcorp
Classification: Likely benign for Congenital myasthenic syndrome 8. Last evaluated: 2026-01-24. Review status: criteria provided, single submitter. Criteria: Invitae Variant Classification Sherloc (09022015). Collection method: clinical testing. Allele origin: germline.

CeGaT Center for Human Genetics Tuebingen
Classification: Likely benign. Last evaluated: 2024-05-01. Review status: criteria provided, single submitter. Criteria: CeGaT Center For Human Genetics Tuebingen Variant Classification Criteria Version 2. Collection method: clinical testing. Allele origin: germline. Affected: yes. Observed: 1 variant allele.
Comment: AGRN: BP4

Ambry Genetics
Classification: Uncertain significance for Inborn genetic diseases. Last evaluated: 2024-03-15. Review status: criteria provided, single submitter. Criteria: Ambry Variant Classification Scheme 2023. Collection method: clinical testing. Allele origin: germline.